The following is an entry in ClinVar:

ClinVar aggregate classification (germline): Likely benign (1 of 4 stars; one submission).

Submission:

CeGaT Center for Human Genetics Tuebingen
Classification: Likely benign. Last evaluated: 2026-05-01. Review status: criteria provided, single submitter. Criteria: CeGaT Center For Human Genetics Tuebingen Variant Classification Criteria Version 2. Collection method: clinical testing. Allele origin: germline. Affected: yes. Observed: 2 variant alleles.
Comment: HCFC1: PM2:Supporting, BP4, BP7

NM_005334.3(HCFC1):c.4548A>G (p.Pro1516=)

Gene: HCFC1 (host cell factor C1; minus strand). Cytogenetic location: Xq28.
Variant type: single nucleotide variant.
Coding change: c.4548A>G on transcript NM_005334.3 (MANE Select); coding-DNA position 4548, A replaced by G.
Protein change: p.Pro1516=; no amino-acid change (proline 1516 retained).
Molecular consequence: synonymous variant.
Genome position (GRCh38, 1-based): chrX:153,952,908, T>C on the plus strand (A>G on the coding strand, the complement: HCFC1 is on the minus strand). VCF-style: chrX-153952908-T-C. GRCh37 (hg19) VCF-style: chrX-153218359-T-C.
Other names: c.4680A>G, p.Pro1560= (NM_001410705.1, NM_001440843.1, NM_001440844.1); c.4677A>G, p.Pro1559= (NM_001440845.1, NM_001440846.1); c.4548A>G, p.Pro1516= (NM_001440847.1, NM_001440848.1, NM_001440849.1); c.4482A>G, p.Pro1494= (NM_001440850.1); c.4350A>G, p.Pro1450= (NM_001440851.1).
Identifiers: ClinVar variation 4873046 (VCV004873046.2).
Genomic context (GRCh38, chrX:153,952,908, plus strand): 5'-TGACAGGACCTCGGCGGACTCCCCCATCAGGGCTGTGGAAGCCGACTGCAGAAGCTGCCG[T>C]GGCGGCAGCTGCTGGCGAGGACCTGGCGACACCTGGAGTTCCTCTGGGGGCTGCAGGATG-3'
Protein context (NP_005325.2, residues 1506-1526): VSPGPRQQLP[Pro1516=]RQLLQSASTA